The following is an entry in ClinVar:

ClinVar aggregate classification (germline): Benign. Review status: criteria provided, multiple submitters, no conflicts (2 of 4 stars). 2 submissions from 2 submitters: Benign (2). Last evaluated 2018-11-15.

Allele frequency attached by ClinVar (database versions not stated): gnomAD 0.00183 and 0.00190; TOPMed 0.00436; ExAC 0.00458; 1000 Genomes Project 0.00479; 1000 Genomes Project 30x 0.00484; gnomAD exomes 0.12808.
gnomAD v4.1: 1,834 of 1,234,510 alleles (0.15%); highest among the groups gnomAD compares: Admixed American, 5.9%; 49 homozygotes.

Submissions (2):

GeneDx
Classification: Benign. Last evaluated: 2018-11-15. Review status: criteria provided, single submitter. Criteria: GeneDx Variant Classification Process June 2021. Collection method: clinical testing. Allele origin: germline. Affected: yes.
Comment: This variant is associated with the following publications: (PMID: 25807484)

Breakthrough Genomics
Classification: Benign. Review status: criteria provided, single submitter. Criteria: ACMG Guidelines, 2015. Collection method: not provided. Allele origin: germline. Inheritance: Unknown mechanism. Affected: yes.

NM_001332.4(CTNND2):c.823G>T (p.Gly275Cys)

Gene: CTNND2 (catenin delta 2; minus strand). Cytogenetic location: 5p15.2.
Variant type: single nucleotide variant.
Coding change: c.823G>T on transcript NM_001332.4 (MANE Select); coding-DNA position 823, G replaced by T.
Protein change: p.Gly275Cys; replaces glycine 275 with cysteine.
Molecular consequence: missense variant. On other transcripts: intron variant (3).
Genome position (GRCh38, 1-based): chr5:11,385,019, C>A on the plus strand (G>T on the coding strand, the complement: CTNND2 is on the minus strand). VCF-style: chr5-11385019-C-A. GRCh37 (hg19) VCF-style: chr5-11385131-C-A.
Other names: c.550G>T, p.Gly184Cys (NM_001288715.1); c.-123+12012G>T (NM_001288717.2); c.167-20129G>T (NM_001364128.2, NM_001288716.1); short protein forms G184C, G275C.
Identifiers: ClinVar variation 1263693 (VCV001263693.3), dbSNP rs61749844, ClinGen allele CA3201023.